The following is an entry in ClinVar:

NM_001048174.2(MUTYH):c.1456T>C (p.Ser486Pro)

Gene: MUTYH (mutY DNA glycosylase; minus strand). Cytogenetic location: 1p34.1.
Variant type: single nucleotide variant.
Coding change: c.1456T>C on transcript NM_001048174.2 (MANE Select); coding-DNA position 1456, T replaced by C.
Protein change: p.Ser486Pro; replaces serine 486 with proline.
Molecular consequence: missense variant. On other transcripts: non-coding transcript variant (7).
Genome position (GRCh38, 1-based): chr1:45,329,416, A>G on the plus strand (T>C on the coding strand, the complement: MUTYH is on the minus strand). VCF-style: chr1-45329416-A-G. GRCh37 (hg19) VCF-style: chr1-45795088-A-G.
Other names: c.1498T>C, p.Ser500Pro (NM_001407083.1, NM_001407085.1); c.1459T>C, p.Ser487Pro (NM_001407086.1, NM_001048172.2, NM_001407071.1 and 1 more transcripts); c.1477T>C, p.Ser493Pro (NM_001407087.1); c.1456T>C, p.Ser486Pro (NM_001407088.1, NM_001407089.1, NM_001048171.2 and 6 more transcripts); c.1180T>C, p.Ser394Pro (NM_001407091.1, NM_001293192.2, NM_001293196.2); c.1531T>C, p.Ser511Pro (NM_012222.3); c.1540T>C, p.Ser514Pro (NM_001128425.2); c.1501T>C, p.Ser501Pro (NM_001293190.2); and 5 more; short protein forms S487P, S511P, S394P, S458P, S472P, S473P, S500P, S514P.
Identifiers: ClinVar variation 2901184 (VCV002901184.5), dbSNP rs2523750373, ClinGen allele CA340131888.

ClinVar aggregate classification (germline): Conflicting classifications of pathogenicity. Review status: criteria provided, conflicting classifications (1 of 4 stars). 2 submissions from 2 submitters: Uncertain significance (1); Benign (1). Last evaluated 2025-11-14.

Conditions:
Hereditary cancer-predisposing syndrome. Also called: Hereditary neoplastic syndrome; Neoplastic Syndromes, Hereditary; Tumor predisposition; Hereditary Cancer Syndrome. Identifiers: Orphanet 140162, MedGen C0027672, MeSH D009386, MONDO:0015356.
Familial adenomatous polyposis 2. Also called: MYH-associated polyposis; MUTYH-related attenuated familial adenomatous polyposis; FAP type 2; COLORECTAL ADENOMATOUS POLYPOSIS, AUTOSOMAL RECESSIVE; ADENOMAS, MULTIPLE COLORECTAL, AUTOSOMAL RECESSIVE; MUTYH-associated polyposis. Identifiers: Orphanet 220460, Orphanet 247798, MedGen C3272841, MONDO:0012041, OMIM 608456.

Allele frequency attached by ClinVar (database versions not stated): gnomAD exomes below 0.00001.
gnomAD v4.1: 2 of 1,614,034 alleles (0.00012%); highest among the groups gnomAD compares: South Asian, 0.0022%; no homozygotes.

Submissions (2):

Ambry Genetics
Classification: Benign for Hereditary cancer-predisposing syndrome. Last evaluated: 2025-11-14. Review status: criteria provided, single submitter. Criteria: Ambry Variant Classification Scheme 2023. Collection method: clinical testing. Allele origin: germline.

Labcorp Genetics (formerly Invitae), Labcorp
Classification: Uncertain significance for Familial adenomatous polyposis 2. Last evaluated: 2023-10-27. Review status: criteria provided, single submitter. Criteria: Invitae Variant Classification Sherloc (09022015). Collection method: clinical testing. Allele origin: germline.
Comment: This sequence change replaces serine, which is neutral and polar, with proline, which is neutral and non-polar, at codon 514 of the MUTYH protein (p.Ser514Pro). This variant is not present in population databases (gnomAD no frequency). This variant has not been reported in the literature in individuals affected with MUTYH-related conditions. Algorithms developed to predict the effect of missense changes on protein structure and function output the following: SIFT: "Not Available"; PolyPhen-2: "Benign"; Align-GVGD: "Not Available". The proline amino acid residue is found in multiple mammalian species, which suggests that this missense change does not adversely affect protein function. In summary, the available evidence is currently insufficient to determine the role of this variant in disease. Therefore, it has been classified as a Variant of Uncertain Significance.